The following is an entry in ClinVar:

NM_001353345.2(SETD1B):c.-6A>G

Gene: SETD1B (SET domain containing 1B, histone lysine methyltransferase; plus strand). Cytogenetic location: 12q24.31.
Variant type: single nucleotide variant.
Coding change: c.-6A>G on transcript NM_001353345.2 (MANE Select); 6 bases upstream of the start codon, A replaced by G.
Molecular consequence: 5 prime UTR variant.
Genome position (GRCh38, 1-based): chr12:121,804,732, A>G. VCF-style: chr12-121804732-A-G. GRCh37 (hg19) VCF-style: chr12-122242638-A-G.
Other names: NM_015048.1:c.-6A>G.
Identifiers: ClinVar variation 3053007 (VCV003053007.2), dbSNP rs1875633952, ClinGen allele CA952630822.

ClinVar aggregate classification (germline): Likely benign (0 of 4 stars; one submission).

Conditions:
SETD1B-related disorder. Also called: SETD1B-related condition.

Allele frequency attached by ClinVar (database versions not stated): gnomAD exomes below 0.00001; gnomAD 0.00001.
gnomAD v4.1: 2 of 1,549,134 alleles (0.00013%); highest among the groups gnomAD compares: Non-Finnish European, 0.00017%; no homozygotes.

Submission:

PreventionGenetics, part of Exact Sciences
Classification: Likely benign for SETD1B-related condition. Last evaluated: 2019-09-05. Review status: no assertion criteria provided. Collection method: clinical testing. Allele origin: germline.
Comment: This variant is classified as likely benign based on ACMG/AMP sequence variant interpretation guidelines (Richards et al. 2015 PMID: 25741868, with internal and published modifications).